The following is an entry in ClinVar:

ClinVar aggregate classification (germline): Uncertain significance (1 of 4 stars; one submission).

Allele frequency attached by ClinVar (database versions not stated): gnomAD 0.00001.
gnomAD v4.1: 1 of 1,613,480 alleles (0.000062%); highest among the groups gnomAD compares: Non-Finnish European, 0.000085%; no homozygotes.

Submission:

Ambry Genetics
Classification: Uncertain significance. Last evaluated: 2023-04-07. Review status: criteria provided, single submitter. Criteria: Ambry Variant Classification Scheme 2023. Collection method: clinical testing. Allele origin: germline.
Comment: The p.P337L variant (also known as c.1010C>T), located in coding exon 9 of the FAM175A gene, results from a C to T substitution at nucleotide position 1010. The proline at codon 337 is replaced by leucine, an amino acid with similar properties. This amino acid position is conserved. In addition, this alteration is predicted to be tolerated by in silico analysis. Since supporting evidence is limited at this time, the clinical significance of this alteration remains unclear.

NM_139076.3(ABRAXAS1):c.1010C>T (p.Pro337Leu)

Gene: ABRAXAS1 (abraxas 1, BRCA1 A complex subunit; minus strand). Cytogenetic location: 4q21.23.
Variant type: single nucleotide variant.
Coding change: c.1010C>T on transcript NM_139076.3 (MANE Select); coding-DNA position 1010, C replaced by T.
Protein change: p.Pro337Leu; replaces proline 337 with leucine.
Molecular consequence: missense variant.
Genome position (GRCh38, 1-based): chr4:83,462,689, G>A on the plus strand (C>T on the coding strand, the complement: ABRAXAS1 is on the minus strand). VCF-style: chr4-83462689-G-A. GRCh37 (hg19) VCF-style: chr4-84383842-G-A.
Other names: c.683C>T, p.Pro228Leu (NM_001345962.2); short protein forms P228L, P337L.
Identifiers: ClinVar variation 2563993 (VCV002563993.2), dbSNP rs1375444295, ClinGen allele CA357255506.
Genomic context (GRCh38, chr4:83,462,689, plus strand): 5'-AATTGCCATCTGTCATCTAAGTCTAAGGCTTTATGCTTAATGATTTGTGGTGTACTAGCT[G>A]GACTAGCTTCAGGAATGTCAGTGTGTTCTACCATTAAGGTCAGATTGTCTACTACATCGA-3'
Protein context (NP_620775.2, residues 327-347): VEHTDIPEAS[Pro337Leu]ASTPQIIKHK